The following is an entry in ClinVar:

NM_078480.3(PUF60):c.617G>C (p.Ser206Thr)

Gene: PUF60 (poly(U) binding splicing factor 60; minus strand). Cytogenetic location: 8q24.3.
Variant type: single nucleotide variant.
Coding change: c.617G>C on transcript NM_078480.3 (MANE Select); coding-DNA position 617, G replaced by C.
Protein change: p.Ser206Thr; replaces serine 206 with threonine.
Molecular consequence: missense variant.
Genome position (GRCh38, 1-based): chr8:143,818,062, C>G on the plus strand (G>C on the coding strand, the complement: PUF60 is on the minus strand). VCF-style: chr8-143818062-C-G. GRCh37 (hg19) VCF-style: chr8-144900232-C-G.
Other names: c.488G>C, p.Ser163Thr (NM_001136033.3); c.563G>C, p.Ser188Thr (NM_001271096.2); c.479G>C, p.Ser160Thr (NM_001271097.2); c.614G>C, p.Ser205Thr (NM_001271098.2); c.530G>C, p.Ser177Thr (NM_001271099.2); c.437G>C, p.Ser146Thr (NM_001271100.2); c.728G>C, p.Ser243Thr (NM_001362895.2, NM_001362896.2); c.677G>C, p.Ser226Thr (NM_001362897.2); and 1 more; short protein forms S146T, S160T, S163T, S177T, S188T, S189T, S205T, S206T.
Identifiers: ClinVar variation 5017561 (VCV005017561.1).
Genomic context (GRCh38, chr8:143,818,062, plus strand): 5'-TTGAAGGCCCGTGCCTCCTCAGCCAACTGGTCTATGATGGGCTGGGCCTGCCCTATGTTG[C>G]TGGGTCTGCCCACCTGGGGAAGAGGCGGTGAGATGGAAAGACCGGTCAACCCAGGCCCGG-3'
Protein context (NP_510965.1, residues 196-216): GGRNIKVGRP[Ser206Thr]NIGQAQPIID

ClinVar aggregate classification (germline): Uncertain significance (1 of 4 stars; one submission).

Submission:

GeneDx
Classification: Uncertain significance. Last evaluated: 2026-03-25. Review status: criteria provided, single submitter. Criteria: GeneDx Variant Classification Process June 2021. Collection method: clinical testing. Allele origin: germline.
Comment: Not observed at significant frequency in large population cohorts (gnomAD); In silico analysis suggests that this missense variant does not alter protein structure/function; Has not been previously published as pathogenic or benign to our knowledge